The following is an entry in ClinVar:

NM_000059.4(BRCA2):c.8827del (p.Gln2943fs)

Gene: BRCA2 (BRCA2 DNA repair associated; plus strand). Cytogenetic location: 13q13.1.
Variant type: Deletion.
Coding change: c.8827del on transcript NM_000059.4 (MANE Select); coding-DNA position 8827, one base deleted (C; older notation c.8827delC).
Protein change: p.Gln2943fs; shifts the reading frame from glutamine 2943.
Molecular consequence: frameshift variant.
Genome position (GRCh38, 1-based): chr13:32,379,389, C deleted. VCF-style (leftmost placement, unchanged base first): chr13-32379388-TC-T. GRCh37 (hg19) VCF-style: chr13-32953525-TC-T.
Other names: short protein forms Q2943fs.
Identifiers: ClinVar variation 1050553 (VCV001050553.3), dbSNP rs2137619587, ClinGen allele CA2499222350.

ClinVar aggregate classification (germline): Pathogenic (0 of 4 stars; one submission).

Conditions:
Malignant tumor of breast. Also called: Malignant breast neoplasm; Cancer breast. Identifiers: MedGen C0006142, MONDO:0007254. Disease mechanism: loss of function.

Submission:

Department of Pathology and Laboratory Medicine, Sinai Health System
Classification: Pathogenic for Malignant tumor of breast. Review status: no assertion criteria provided. Collection method: clinical testing. Allele origin: unknown. Affected: yes. Study: The Canadian Open Genetics Repository (COGR).
Comment: The BRCA2 p.Gln2943ArgfsX33 variant was not identified in the literature nor was it identified in the dbSNP, ClinVar, COGR, Cosmic, MutDB, LOVD 3.0, BIC Database, ARUP Laboratories, Zhejiang Colon Cancer Database, the 1000 Genomes Project, the NHLBI GO Exome Sequencing Project, the Exome Aggregation Consortium (August 8th 2016), or the Genome Aggregation Database (Feb 27, 2017). The p.Gln2943ArgfsX33 variant is predicted to cause a frameshift, which alters the protein's amino acid sequence beginning at codon 2943 and leads to a premature stop codon at position 2975. This alteration is then predicted to result in a truncated or absent protein and loss of function. Loss of function variants of the BRCA2 gene are an established mechanism of disease in hereditary breast and ovarian cancer and is the type of variant expected to cause the disorder. In summary, based on the above information this variant meets our laboratoryâ€šÃ„Ã´s criteria to be classified as pathogenic.